The following is an entry in ClinVar:

ClinVar aggregate classification (germline): Uncertain significance (1 of 4 stars; one submission).

Conditions:
Nemaline myopathy 2 (NEM2). Also called: Nemaline myopathy 2, autosomal recessive. Identifiers: MedGen C1850569, MONDO:0009725, OMIM 256030.

Allele frequency attached by ClinVar (database versions not stated): gnomAD exomes below 0.00001.
gnomAD v4.1: 1 of 1,613,516 alleles (0.000062%); highest among the groups gnomAD compares: Admixed American, 0.0017%; no homozygotes.

Submission:

Labcorp Genetics (formerly Invitae), Labcorp
Classification: Uncertain significance for Nemaline myopathy 2. Last evaluated: 2021-08-14. Review status: criteria provided, single submitter. Criteria: Invitae Variant Classification Sherloc (09022015). Collection method: clinical testing. Allele origin: germline.
Comment: This sequence change replaces glutamine with arginine at codon 8489 of the NEB protein (p.Gln8489Arg). The glutamine residue is moderately conserved and there is a small physicochemical difference between glutamine and arginine. This variant is not present in population databases (ExAC no frequency). This variant has not been reported in the literature in individuals affected with NEB-related conditions. Algorithms developed to predict the effect of missense changes on protein structure and function are either unavailable or do not agree on the potential impact of this missense change (SIFT: "Deleterious"; PolyPhen-2: "Not Available"; Align-GVGD: "Class C0"). In summary, the available evidence is currently insufficient to determine the role of this variant in disease. Therefore, it has been classified as a Variant of Uncertain Significance.

NM_001164508.2(NEB):c.25361A>G (p.Gln8454Arg)

Genes: NEB (nebulin; minus strand), RIF1 (replication timing regulatory factor 1; plus strand). Cytogenetic location: 2q23.3.
Variant type: single nucleotide variant.
Coding change: c.25361A>G on transcript NM_001164508.2 (MANE Select); coding-DNA position 25361, A replaced by G.
Protein change: p.Gln8454Arg; replaces glutamine 8454 with arginine.
Molecular consequence: missense variant.
Genome position (GRCh38, 1-based): chr2:151,490,014, T>C on the plus strand (A>G on the coding strand, the complement: NEB is on the minus strand). VCF-style: chr2-151490014-T-C. GRCh37 (hg19) VCF-style: chr2-152346528-T-C.
Other names: c.25361A>G, p.Gln8454Arg (NM_001164507.2); c.25466A>G, p.Gln8489Arg (NM_001271208.2); c.19793A>G, p.Gln6598Arg (NM_004543.5); short protein forms Q8454R, Q8489R, Q6598R.
Identifiers: ClinVar variation 1958256 (VCV001958256.2), dbSNP rs952273879, ClinGen allele CA57659588.